The following is an entry in ClinVar:

NM_000038.6(APC):c.3406_3423dup (p.Thr1141_Asn1142insGluAspAspLysProThr)

Gene: APC (APC regulator of Wnt signaling pathway; plus strand). Cytogenetic location: 5q22.2.
Variant type: Duplication.
Coding change: c.3406_3423dup on transcript NM_000038.6 (MANE Select); coding-DNA positions 3406 to 3423, 18 bases duplicated (GAAGATGATAAGCCTACC).
Protein change: p.Thr1141_Asn1142insGluAspAspLysProThr.
Molecular consequence: inframe insertion. On other transcripts: inframe indel (20).
Genome position (GRCh38, 1-based): chr5:112,839,000-112,839,017, GAAGATGATAAGCCTACC duplicated. VCF-style (leftmost placement, unchanged base first): chr5-112838999-T-TGAAGATGATAAGCCTACC. GRCh37 (hg19) VCF-style: chr5-112174696-T-TGAAGATGATAAGCCTACC.
Other names: c.3406_3423dup, p.Thr1141_Asn1142insGluAspAspLysProThr (NM_001127510.3, NM_001354895.2, NM_001407450.1); c.3352_3369dup, p.Thr1123_Asn1124insGluAspAspLysProThr (NM_001127511.3); c.3460_3477dup, p.Thr1159_Asn1160insGluAspAspLysProThr (NM_001354896.2, NM_001407447.1, NM_001407448.1 and 1 more transcripts); c.3436_3453dup, p.Thr1151_Asn1152insGluAspAspLysProThr (NM_001354897.2); c.3331_3348dup, p.Thr1116_Asn1117insGluAspAspLysProThr (NM_001354898.2); c.3322_3339dup, p.Thr1113_Asn1114insGluAspAspLysProThr (NM_001354899.2); c.3283_3300dup, p.Thr1100_Asn1101insGluAspAspLysProThr (NM_001354900.2); c.3229_3246dup, p.Thr1082_Asn1083insGluAspAspLysProThr (NM_001354901.2, NM_001407453.1); and 11 more.
Identifiers: ClinVar variation 1731124 (VCV001731124.3), dbSNP rs2533495535, ClinGen allele CA2580072948.

ClinVar aggregate classification (germline): Uncertain significance (1 of 4 stars; one submission).

Conditions:
Hereditary cancer-predisposing syndrome. Also called: Neoplastic Syndromes, Hereditary; Tumor predisposition; Hereditary Cancer Syndrome; Hereditary neoplastic syndrome. Identifiers: Orphanet 140162, MedGen C0027672, MeSH D009386, MONDO:0015356.

Submission:

Ambry Genetics
Classification: Uncertain significance for Hereditary cancer-predisposing syndrome. Last evaluated: 2025-01-18. Review status: criteria provided, single submitter. Criteria: Ambry Variant Classification Scheme 2023. Collection method: clinical testing. Allele origin: germline.
Comment: The c.3406_3423dup18 variant (also known as p.E1136_T1141dup), located in coding exon 15 of the APC gene, results from an in-frame duplication of 18 nucleotides at nucleotide positions 3406 to 3423. This results in the duplication of 6 extra residues (EDDKPT) between codons 1136 and 1141. This amino acid region is highly conserved in available vertebrate species. In addition, the in silico prediction for this alteration is inconclusive (Choi Y et al. PLoS ONE. 2012; 7(10):e46688). Since supporting evidence is limited at this time, the clinical significance of this alteration remains unclear.